The following is an entry in ClinVar:

ClinVar aggregate classification (germline): Likely benign. Review status: criteria provided, multiple submitters, no conflicts (2 of 4 stars). 3 submissions from 3 submitters: Likely benign (2). 1 of the submissions does not count toward it. Last evaluated 2025-12-29.

Conditions:
DYNC2H1-related disorder. Also called: DYNC2H1-related condition; DYNC2H1-related disorders. Identifiers: MedGen CN378770.
Jeune thoracic dystrophy. Also called: Short-rib thoracic dysplasia; Jeune syndrome; Infantile thoracic dystrophy; Thoracic pelvic phalangeal dystrophy; Jeune's syndrome; Chondroectodermal dysplasia-like syndrome. Identifiers: Orphanet 474, MedGen C0265275, MONDO:0018770.

Allele frequency attached by ClinVar (database versions not stated): ExAC 0.00005; gnomAD exomes 0.00005 and 0.00012; gnomAD 0.00006; TOPMed 0.00006; ESP Exome Variant Server 0.00017.
gnomAD v4.1: 184 of 1,610,156 alleles (0.011%); highest among the groups gnomAD compares: Non-Finnish European, 0.015%; no homozygotes.

Submissions (3):

Labcorp Genetics (formerly Invitae), Labcorp
Classification: Likely benign for Jeune thoracic dystrophy. Last evaluated: 2025-12-29. Review status: criteria provided, single submitter. Criteria: Invitae Variant Classification Sherloc (09022015). Collection method: clinical testing. Allele origin: germline.

Blueprint Genetics
Classification: Likely benign. Last evaluated: 2024-04-25. Review status: criteria provided, single submitter. Criteria: ACMG Guidelines, 2015. Collection method: clinical testing. Allele origin: germline.

PreventionGenetics, part of Exact Sciences
Classification: Likely benign for DYNC2H1-related condition. Last evaluated: 2021-11-01. Review status: no assertion criteria provided. Collection method: clinical testing. Allele origin: germline. Not counted in ClinVar's aggregate classification.
Comment: This variant is classified as likely benign based on ACMG/AMP sequence variant interpretation guidelines (Richards et al. 2015 PMID: 25741868, with internal and published modifications).

NM_001377.3(DYNC2H1):c.7242A>G (p.Arg2414=)

Gene: DYNC2H1 (dynein cytoplasmic 2 heavy chain 1; plus strand). Cytogenetic location: 11q22.3.
Variant type: single nucleotide variant.
Coding change: c.7242A>G on transcript NM_001377.3 (MANE Select); coding-DNA position 7242, A replaced by G.
Protein change: p.Arg2414=; no amino-acid change (arginine 2414 retained).
Molecular consequence: synonymous variant.
Genome position (GRCh38, 1-based): chr11:103,188,598, A>G. VCF-style: chr11-103188598-A-G. GRCh37 (hg19) VCF-style: chr11-103059327-A-G.
Other names: c.7242A>G, p.Arg2414= (NM_001080463.2).
Identifiers: ClinVar variation 699576 (VCV000699576.12), dbSNP rs369826197, ClinGen allele CA6254186.
Genomic context (GRCh38, chr11:103,188,598, plus strand): 5'-GGTTGGTCTAGAAAATATTCAAATTGTGGCTTCTATGTCAGCTGGAGGAAGACTGGGAAG[A>G]CATAAACTTACTACCAGATTTACTTCCATCGTTCGTCTTTGTTCTATAGAGTATGTATCT-3'
Protein context (NP_001368.2, residues 2404-2424): ASMSAGGRLG[Arg2414=]HKLTTRFTSI